The following is an entry in ClinVar:

NM_000038.6(APC):c.3055G>T (p.Gly1019Ter)

Gene: APC (APC regulator of Wnt signaling pathway; plus strand). Cytogenetic location: 5q22.2.
Variant type: single nucleotide variant.
Coding change: c.3055G>T on transcript NM_000038.6 (MANE Select); coding-DNA position 3055, G replaced by T.
Protein change: p.Gly1019Ter; replaces glycine 1019 with a stop codon.
Molecular consequence: nonsense. On other transcripts: non-coding transcript variant (2).
Genome position (GRCh38, 1-based): chr5:112,838,649, G>T. VCF-style: chr5-112838649-G-T. GRCh37 (hg19) VCF-style: chr5-112174346-G-T.
Other names: c.3055G>T, p.Gly1019Ter (NM_001127510.3, NM_001354895.2, NM_001407450.1); c.3001G>T, p.Gly1001Ter (NM_001127511.3); c.3109G>T, p.Gly1037Ter (NM_001354896.2, NM_001407447.1, NM_001407448.1 and 1 more transcripts); c.3085G>T, p.Gly1029Ter (NM_001354897.2); c.2980G>T, p.Gly994Ter (NM_001354898.2); c.2971G>T, p.Gly991Ter (NM_001354899.2); c.2932G>T, p.Gly978Ter (NM_001354900.2); c.2878G>T, p.Gly960Ter (NM_001354901.2, NM_001407453.1); and 11 more; short protein forms G1001*, G1009*, G1012*, G1019*, G1029*, G1037*, G1047*, G635*.
Identifiers: ClinVar variation 2583215 (VCV002583215.1), dbSNP rs1765326033, ClinGen allele CA16028025.

ClinVar aggregate classification (germline): Pathogenic (1 of 4 stars; one submission).

Conditions:
Familial adenomatous polyposis 1 (FAP1). Also called: POLYPOSIS, ADENOMATOUS INTESTINAL; FAMILIAL ADENOMATOUS POLYPOSIS 1, ATTENUATED. Identifiers: MedGen C2713442, MONDO:0021056, OMIM 175100. Disease mechanism: loss of function.

Submission:

Myriad Genetics, Inc.
Classification: Pathogenic for Familial adenomatous polyposis 1. Last evaluated: 2023-05-05. Review status: criteria provided, single submitter. Criteria: Myriad Autosomal Dominant, Autosomal Recessive and X-Linked Classification Criteria (2023). Collection method: clinical testing. Allele origin: unknown.
Comment: This variant is considered pathogenic. This variant creates a termination codon and is predicted to result in premature protein truncation.